The following is an entry in ClinVar:

ClinVar aggregate classification (germline): Uncertain significance (1 of 4 stars; one submission).

Submission:

GeneDx
Classification: Uncertain significance. Last evaluated: 2025-05-02. Review status: criteria provided, single submitter. Criteria: GeneDx Variant Classification Process June 2021. Collection method: clinical testing. Allele origin: germline. Affected: yes.
Comment: Not observed at significant frequency in large population cohorts (gnomAD); In silico analysis suggests that this missense variant does not alter protein structure/function; Has not been previously published as pathogenic or benign to our knowledge

NM_015021.3(ZNF292):c.2129A>C (p.Asp710Ala)

Gene: ZNF292 (zinc finger protein 292; plus strand). Cytogenetic location: 6q14.3.
Variant type: single nucleotide variant.
Coding change: c.2129A>C on transcript NM_015021.3 (MANE Select); coding-DNA position 2129, A replaced by C.
Protein change: p.Asp710Ala; replaces aspartic acid 710 with alanine.
Molecular consequence: missense variant.
Genome position (GRCh38, 1-based): chr6:87,255,758, A>C. VCF-style: chr6-87255758-A-C. GRCh37 (hg19) VCF-style: chr6-87965476-A-C.
Other names: c.1709A>C, p.Asp570Ala (NM_001351444.2); short protein forms D570A, D710A.
Identifiers: ClinVar variation 4528029 (VCV004528029.1).
Genomic context (GRCh38, chr6:87,255,758, plus strand): 5'-AGGGCTTTAAGTACTTTAAAAATTTAATTGCTCATGTGAAGGGGCATAAAGATAATGAAG[A>C]CGCCAAGCGCTTTCTTGAAATGCAGAGCAAAAAAGTTATTTGCCAGTACTGTAGGCGGCA-3'
Protein context (NP_055836.1, residues 700-720): AHVKGHKDNE[Asp710Ala]AKRFLEMQSK